The following is an entry in ClinVar:

NM_016120.4(RLIM):c.1481A>T (p.Glu494Val)

Gene: RLIM (ring finger protein, LIM domain interacting; minus strand). Cytogenetic location: Xq13.2.
Variant type: single nucleotide variant.
Coding change: c.1481A>T on transcript NM_016120.4 (MANE Select); coding-DNA position 1481, A replaced by T.
Protein change: p.Glu494Val; replaces glutamic acid 494 with valine.
Molecular consequence: missense variant.
Genome position (GRCh38, 1-based): chrX:74,591,834, T>A on the plus strand (A>T on the coding strand, the complement: RLIM is on the minus strand). VCF-style: chrX-74591834-T-A. GRCh37 (hg19) VCF-style: chrX-73811669-T-A.
Other names: c.1481A>T, p.Glu494Val (NM_183353.3); short protein forms E494V.
Identifiers: ClinVar variation 5009805 (VCV005009805.1).

ClinVar aggregate classification (germline): Uncertain significance (1 of 4 stars; one submission).

Submission:

GeneDx
Classification: Uncertain significance. Last evaluated: 2026-02-22. Review status: criteria provided, single submitter. Criteria: GeneDx Variant Classification Process June 2021. Collection method: clinical testing. Allele origin: germline.
Comment: Not observed at significant frequency in large population cohorts (gnomAD); In silico analysis supports that this missense variant has a deleterious effect on protein structure/function; Has not been previously published as pathogenic or benign to our knowledge